The following is an entry in ClinVar:

NM_138694.4(PKHD1):c.4795dup (p.Arg1599fs)

Genes: PKHD1 (PKHD1 ciliary IPT domain containing fibrocystin/polyductin; minus strand), LOC126859690 (MED14-independent group 3 enhancer GRCh37_chr6:51888848-51890047; plus strand). Cytogenetic location: 6p12.2.
Variant type: Duplication.
Coding change: c.4795dup on transcript NM_138694.4 (MANE Select); coding-DNA position 4795, one base duplicated (A; older notation c.4795dupA).
Protein change: p.Arg1599fs; shifts the reading frame from arginine 1599.
Molecular consequence: frameshift variant.
Genome position (GRCh38, 1-based): chr6:52,025,015, T duplicated on the plus strand (A on the coding strand, the reverse complement: PKHD1 is on the minus strand). VCF-style (leftmost placement, unchanged base first): chr6-52025014-C-CT. GRCh37 (hg19) VCF-style: chr6-51889812-C-CT.
Other names: c.4795dup, p.Arg1599fs (NM_170724.3); short protein forms R1599fs.
Identifiers: ClinVar variation 5019377 (VCV005019377.2).

ClinVar aggregate classification (germline): Likely pathogenic (1 of 4 stars; one submission).

Conditions:
Polycystic kidney disease 4 (PKD4). Also called: POLYCYSTIC KIDNEY DISEASE 4 WITH OR WITHOUT POLYCYSTIC LIVER DISEASE; POLYCYSTIC KIDNEY AND HEPATIC DISEASE 1; POLYCYSTIC KIDNEY DISEASE, INFANTILE, TYPE I; PKD3; Autosomal Recessive Polycystic Kidney Disease – PKHD1. Identifiers: MedGen C4540575, MONDO:0033004, OMIM 263200.

Submission:

Juno Genomics, Hangzhou Juno Genomics, Inc
Classification: Likely pathogenic for Polycystic kidney disease 4. Review status: criteria provided, single submitter. Criteria: ACMG Guidelines, 2015. Collection method: clinical testing. Allele origin: germline.
Comment: Absent from controls (or at extremely low frequency if recessive) in Genome Aggregation Database.;Null variant in a gene where loss of function (LOF) is a known mechanism of disease.